The following is an entry in ClinVar:

NM_006922.4(SCN3A):c.930G>A (p.Met310Ile)

Gene: SCN3A (sodium voltage-gated channel alpha subunit 3; minus strand). Cytogenetic location: 2q24.3.
Variant type: single nucleotide variant.
Coding change: c.930G>A on transcript NM_006922.4 (MANE Select); coding-DNA position 930, G replaced by A.
Protein change: p.Met310Ile; replaces methionine 310 with isoleucine.
Molecular consequence: missense variant.
Genome position (GRCh38, 1-based): chr2:165,162,593, C>T on the plus strand (G>A on the coding strand, the complement: SCN3A is on the minus strand). VCF-style: chr2-165162593-C-T. GRCh37 (hg19) VCF-style: chr2-166019103-C-T.
Other names: c.930G>A, p.Met310Ile (NM_001081676.2, NM_001081677.2); short protein forms M310I.
Identifiers: ClinVar variation 2044849 (VCV002044849.4), dbSNP rs1471853642, ClinGen allele CA349238936.

ClinVar aggregate classification (germline): Uncertain significance (1 of 4 stars; one submission).

Allele frequency attached by ClinVar (database versions not stated): gnomAD exomes below 0.00001; gnomAD 0.00001.
gnomAD v4.1: 8 of 1,614,002 alleles (0.0005%); highest among the groups gnomAD compares: South Asian, 0.0044%; no homozygotes.

Submission:

Labcorp Genetics (formerly Invitae), Labcorp
Classification: Uncertain significance. Last evaluated: 2022-02-18. Review status: criteria provided, single submitter. Criteria: Invitae Variant Classification Sherloc (09022015). Collection method: clinical testing. Allele origin: germline.
Comment: This sequence change replaces methionine, which is neutral and non-polar, with isoleucine, which is neutral and non-polar, at codon 310 of the SCN3A protein (p.Met310Ile). This variant is present in population databases (no rsID available, gnomAD 0.003%). This variant has not been reported in the literature in individuals affected with SCN3A-related conditions. Algorithms developed to predict the effect of missense changes on protein structure and function (SIFT, PolyPhen-2, Align-GVGD) all suggest that this variant is likely to be tolerated. In summary, the available evidence is currently insufficient to determine the role of this variant in disease. Therefore, it has been classified as a Variant of Uncertain Significance.